The following is an entry in ClinVar:

NM_003560.4(PLA2G6):c.325C>G (p.His109Asp)

Gene: PLA2G6 (phospholipase A2 group VI; minus strand). Cytogenetic location: 22q13.1.
Variant type: single nucleotide variant.
Coding change: c.325C>G on transcript NM_003560.4 (MANE Select); coding-DNA position 325, C replaced by G.
Protein change: p.His109Asp; replaces histidine 109 with aspartic acid.
Molecular consequence: missense variant. On other transcripts: 5 prime UTR variant (3).
Genome position (GRCh38, 1-based): chr22:38,145,538, G>C on the plus strand (C>G on the coding strand, the complement: PLA2G6 is on the minus strand). VCF-style: chr22-38145538-G-C. GRCh37 (hg19) VCF-style: chr22-38541545-G-C.
Other names: p.His109Asp; c.325C>G, p.His109Asp (NM_001004426.3, NM_001199562.3, NM_001349864.2 and 2 more transcripts); c.-210C>G (NM_001349867.2, NM_001349869.2); c.-166C>G (NM_001349868.2); short protein forms H109D.
Identifiers: ClinVar variation 586316 (VCV000586316.25), dbSNP rs142530390, ClinGen allele CA10231294.
Genomic context (GRCh38, chr22:38,145,538, plus strand): 5'-GCTCCACAGCCAGGTGGGCCACTGACCAGCTGGGGTGGTTACGGATGAGGTCGGTCAGGT[G>C]CTGCAGGACCTCAGTGTGCAGGACCTGAGGGGAGCTCTCATAGAAGGGTAGCAGCTGGGA-3'
Protein context (NP_003551.2, residues 99-119): PQVLHTEVLQ[His109Asp]LTDLIRNHPS

ClinVar aggregate classification (germline): Conflicting classifications of pathogenicity. Review status: criteria provided, conflicting classifications (1 of 4 stars). 6 submissions from 6 submitters: Uncertain significance (3); Benign (3). Last evaluated 2026-09-30.

Conditions:
Infantile neuroaxonal dystrophy (NBIA2A). Also called: NEURODEGENERATION WITH BRAIN IRON ACCUMULATION 2A; Infantile neuroaxonal dystrophy 1; SEITELBERGER DISEASE. Identifiers: Orphanet 35069, MedGen C0270724, MONDO:0024457, OMIM 256600.
Neurodegeneration with brain iron accumulation 2B. Also called: aNAD; atypical Neuroaxonal Dystrophy (aNAD); NEUROAXONAL DYSTROPHY, ATYPICAL; NEURODEGENERATION WITH BRAIN IRON ACCUMULATION, PLA2G6-RELATED. Identifiers: Orphanet 35069, MedGen C1857747, MONDO:0012444, OMIM 610217.
PLA2G6-associated neurodegeneration (PLAN). Also called: phospholipase A2-associated neurodegeneration. Identifiers: Orphanet 329303, MedGen CN204472, MONDO:0017998.

Allele frequency attached by ClinVar (database versions not stated): TOPMed 0.00027; 1000 Genomes Project 0.00020; 1000 Genomes Project 30x 0.00016; gnomAD 0.00027 and 0.00028; ESP Exome Variant Server 0.00038.

Submissions (6):

GeneDx
Classification: Uncertain significance. Last evaluated: 2026-09-30. Review status: criteria provided, single submitter. Criteria: GeneDx Variant Classification Process June 2021. Collection method: clinical testing. Allele origin: germline.
Comment: In silico analysis suggests that this missense variant does not alter protein structure/function; Has not been previously published as pathogenic or benign to our knowledge

Labcorp Genetics (formerly Invitae), Labcorp
Classification: Benign for Infantile neuroaxonal dystrophy. Last evaluated: 2026-02-02. Review status: criteria provided, single submitter. Criteria: Invitae Variant Classification Sherloc (09022015). Collection method: clinical testing. Allele origin: germline.

Mayo Clinic Laboratories, Mayo Clinic
Classification: Benign. Last evaluated: 2025-04-22. Review status: criteria provided, single submitter. Criteria: ACMG Guidelines, 2015. Collection method: clinical testing. Allele origin: germline. Observed: 2 variant alleles.
Comment: BA1, BP4_moderate

New York Genome Center
Classification: Uncertain significance for Infantile neuroaxonal dystrophy; Neurodegeneration with brain iron accumulation 2B. Last evaluated: 2020-06-05. Review status: criteria provided, single submitter. Criteria: NYGC Assertion Criteria 2020. Collection method: clinical testing. Allele origin: germline. Observed: 1 heterozygote. Study: CSER-NYCKidSeq.

Athena Diagnostics
Classification: Benign. Last evaluated: 2018-02-22. Review status: criteria provided, single submitter. Criteria: Athena Diagnostics Criteria. Collection method: clinical testing. Allele origin: germline.

Illumina Laboratory Services, Illumina
Classification: Uncertain significance for PLA2G6-associated neurodegeneration. Last evaluated: 2018-01-13. Review status: criteria provided, single submitter. Criteria: ICSL Variant Classification Criteria 13 December 2019. Collection method: clinical testing. Allele origin: germline.